The following is an entry in ClinVar:

ClinVar aggregate classification (germline): Uncertain significance (1 of 4 stars; one submission).

Submission:

Women's Health and Genetics/Laboratory Corporation of America, LabCorp
Classification: Uncertain significance. Last evaluated: 2025-07-29. Review status: criteria provided, single submitter. Criteria: LabCorp Variant Classification Summary - May 2015. Collection method: clinical testing. Allele origin: germline.
Comment: Variant summary: MMUT c.385G>C (p.Ala129Pro) results in a non-conservative amino acid change in the encoded protein sequence. Algorithms developed to predict the effect of missense changes on protein structure and function all suggest that this variant is likely to be disruptive. Several computational tools predict a significant impact on normal splicing: Two predict the variant abolishes a canonical 5' splicing donor site. One predict the variant weakens a canonical canonical 5' donor site. However, these predictions have yet to be confirmed by functional studies. The variant was absent in 250542 control chromosomes. The available data on variant occurrences in the general population are insufficient to allow any conclusion about variant significance. No submitters have cited clinical-significance assessments for this variant to ClinVar. Based on the evidence outlined above, the variant was classified as VUS-possibly pathogenic.

NM_000255.4(MMUT):c.385G>C (p.Ala129Pro)

Gene: MMUT (methylmalonyl-CoA mutase; minus strand). Cytogenetic location: 6p12.3.
Variant type: single nucleotide variant.
Coding change: c.385G>C on transcript NM_000255.4 (MANE Select); coding-DNA position 385, G replaced by C.
Protein change: p.Ala129Pro; replaces alanine 129 with proline.
Molecular consequence: missense variant.
Genome position (GRCh38, 1-based): chr6:49,459,082, C>G on the plus strand (G>C on the coding strand, the complement: MMUT is on the minus strand). VCF-style: chr6-49459082-C-G. GRCh37 (hg19) VCF-style: chr6-49426795-C-G.
Other names: short protein forms A129P.
Identifiers: ClinVar variation 4526143 (VCV004526143.1).